The following is an entry in ClinVar:

NM_032119.4(ADGRV1):c.12402A>G (p.Lys4134=)

Gene: ADGRV1 (adhesion G protein-coupled receptor V1; plus strand). Cytogenetic location: 5q14.3.
Variant type: single nucleotide variant.
Coding change: c.12402A>G on transcript NM_032119.4 (MANE Select); coding-DNA position 12402, A replaced by G.
Protein change: p.Lys4134=; no amino-acid change (lysine 4134 retained).
Molecular consequence: synonymous variant. On other transcripts: non-coding transcript variant (1).
Genome position (GRCh38, 1-based): chr5:90,774,302, A>G. VCF-style: chr5-90774302-A-G. GRCh37 (hg19) VCF-style: chr5-90070119-A-G.
Identifiers: ClinVar variation 1430541 (VCV001430541.4), dbSNP rs1396298218, ClinGen allele CA445410537.
Genomic context (GRCh38, chr5:90,774,302, plus strand): 5'-GGACAGGCGTTTCACCATTCAGCTGATATCAATTGATGAGGTAGAAATATCTCCAGTAAA[A>G]GGTAAGAGAAATTCACATTTTTGGAAATTAAAAAGTAAATTCTCAGAAAAAATGTAATAA-3'
Protein context (NP_115495.3, residues 4124-4144): SIDEVEISPV[Lys4134=]GSASIIIRGD

ClinVar aggregate classification (germline): Uncertain significance (1 of 4 stars; one submission).

Allele frequency attached by ClinVar (database versions not stated): gnomAD 0.00001; gnomAD exomes 0.00001.
gnomAD v4.1: 8 of 1,489,392 alleles (0.00054%); highest among the groups gnomAD compares: Admixed American, 0.013%; no homozygotes.

Submission:

Labcorp Genetics (formerly Invitae), Labcorp
Classification: Uncertain significance. Last evaluated: 2022-08-16. Review status: criteria provided, single submitter. Criteria: Invitae Variant Classification Sherloc (09022015). Collection method: clinical testing. Allele origin: germline.
Comment: This sequence change affects codon 4134 of the ADGRV1 mRNA. It is a 'silent' change, meaning that it does not change the encoded amino acid sequence of the ADGRV1 protein. It affects a nucleotide within the consensus splice site. This variant is not present in population databases (gnomAD no frequency). This variant has not been reported in the literature in individuals affected with ADGRV1-related conditions. ClinVar contains an entry for this variant (Variation ID: 1430541). Algorithms developed to predict the effect of sequence changes on RNA splicing suggest that this variant may disrupt the consensus splice site. In summary, the available evidence is currently insufficient to determine the role of this variant in disease. Therefore, it has been classified as a Variant of Uncertain Significance.